The following is an entry in ClinVar:

ClinVar aggregate classification (germline): Pathogenic (1 of 4 stars; one submission).

Conditions:
Neurofibromatosis, type 1 (NF1). Also called: Peripheral type neurofibromatosis; Neurofibromatosis, type I; VON RECKLINGHAUSEN DISEASE; NEUROFIBROMATOSIS, TYPE I, SOMATIC. Identifiers: Orphanet 636, MedGen C0027831, MONDO:0018975, OMIM 162200. Disease mechanism: loss of function.

Submission:

Labcorp Genetics (formerly Invitae), Labcorp
Classification: Pathogenic for Neurofibromatosis, type 1. Last evaluated: 2019-11-27. Review status: criteria provided, single submitter. Criteria: Invitae Variant Classification Sherloc (09022015). Collection method: clinical testing. Allele origin: germline.
Comment: A gross deletion of the genomic region encompassing the full coding sequence of the NF1 gene has been identified. The boundaries of this event are unknown as the deletion extends beyond the assayed region for this gene and therefore may encompass additional genes. Similar deletions have been observed in individual(s) with neurofibromatosis type 1 (PMID: 10631140, 10587576). Loss-of-function variants in NF1 are known to be pathogenic (PMID: 10712197, 23913538). For these reasons, this variant has been classified as Pathogenic.

Literature cited by the submitters: PubMed 10631140; PubMed 10587576.

NC_000017.11:g.(?_31093927)_(31378677_?)del

Genes: EVI2A (ecotropic viral integration site 2A; minus strand), EVI2B (ecotropic viral integration site 2B; minus strand), NF1 (neurofibromin 1; plus strand), OMG (oligodendrocyte myelin glycoprotein; minus strand). Cytogenetic location: 17q11.2.
Variant type: Deletion.
Identifiers: ClinVar variation 833518 (VCV000833518.1).